The following is an entry in ClinVar:

NM_001734.5(C1S):c.1482C>G (p.Thr494=)

Gene: C1S (complement C1s; plus strand). Cytogenetic location: 12p13.31.
Variant type: single nucleotide variant.
Coding change: c.1482C>G on transcript NM_001734.5 (MANE Select); coding-DNA position 1482, C replaced by G.
Protein change: p.Thr494=; no amino-acid change (threonine 494 retained).
Molecular consequence: synonymous variant.
Genome position (GRCh38, 1-based): chr12:7,070,066, C>G. VCF-style: chr12-7070066-C-G. GRCh37 (hg19) VCF-style: chr12-7177370-C-G.
Other names: p.Thr494=; c.981C>G, p.Thr327= (NM_001346850.2); c.1482C>G, p.Thr494= (NM_201442.4); c.1482C>G (NM_201442.3).
Identifiers: ClinVar variation 708542 (VCV000708542.15), dbSNP rs74057267, ClinGen allele CA6423795.
Genomic context (GRCh38, chr12:7,070,066, plus strand): 5'-TCATGTTGTGGAGGGAAACAGGGAGCCAACAATGTATGTTGGGTCCACCTCAGTGCAGAC[C>G]TCACGGCTGGCAAAATCCAAGATGCTCACTCCTGAGCATGTGTTTATTCATCCGGGATGG-3'
Protein context (NP_001725.1, residues 484-504): TMYVGSTSVQ[Thr494=]SRLAKSKMLT

ClinVar aggregate classification (germline): Likely benign. Review status: criteria provided, multiple submitters, no conflicts (2 of 4 stars). 5 submissions from 5 submitters: Likely benign (4). 1 of the submissions does not count toward it. Last evaluated 2026-02-02.

Conditions:
C1S-related disorder. Also called: C1S-related condition.

Allele frequency attached by ClinVar (database versions not stated): gnomAD exomes 0.00004 and 0.00010; ExAC 0.00015; gnomAD 0.00043 and 0.00048; TOPMed 0.00045; ESP Exome Variant Server 0.00046; 1000 Genomes Project 0.00080; 1000 Genomes Project 30x 0.00094.
gnomAD v4.1: 120 of 1,614,098 alleles (0.0074%); highest among the groups gnomAD compares: African/African-American, 0.15%; no homozygotes.

Submissions (5):

Labcorp Genetics (formerly Invitae), Labcorp
Classification: Likely benign. Last evaluated: 2026-02-02. Review status: criteria provided, single submitter. Criteria: Invitae Variant Classification Sherloc (09022015). Collection method: clinical testing. Allele origin: germline.

Women's Health and Genetics/Laboratory Corporation of America, LabCorp
Classification: Likely benign. Last evaluated: 2026-01-30. Review status: criteria provided, single submitter. Criteria: LabCorp Variant Classification Summary - May 2015. Collection method: clinical testing. Allele origin: germline.

Mayo Clinic Laboratories, Mayo Clinic
Classification: Likely benign. Last evaluated: 2025-01-20. Review status: criteria provided, single submitter. Criteria: ACMG Guidelines, 2015. Collection method: clinical testing. Allele origin: germline. Observed: 1 variant allele.
Comment: BS1, BP4, BP7

Blueprint Genetics
Classification: Likely benign. Last evaluated: 2022-11-17. Review status: criteria provided, single submitter. Criteria: ACMG Guidelines, 2015. Collection method: clinical testing. Allele origin: germline.

PreventionGenetics, part of Exact Sciences
Classification: Likely benign for C1S-related condition. Last evaluated: 2024-06-18. Review status: no assertion criteria provided. Collection method: clinical testing. Allele origin: germline. Not counted in ClinVar's aggregate classification.
Comment: This variant is classified as likely benign based on ACMG/AMP sequence variant interpretation guidelines (Richards et al. 2015 PMID: 25741868, with internal and published modifications).